The following is an entry in ClinVar:

NM_001805.4(CEBPE):c.517T>G (p.Leu173Val)

Gene: CEBPE (CCAAT enhancer binding protein epsilon; minus strand). Cytogenetic location: 14q11.2.
Variant type: single nucleotide variant.
Coding change: c.517T>G on transcript NM_001805.4 (MANE Select); coding-DNA position 517, T replaced by G.
Protein change: p.Leu173Val; replaces leucine 173 with valine.
Molecular consequence: missense variant.
Genome position (GRCh38, 1-based): chr14:23,117,816, A>C on the plus strand (T>G on the coding strand, the complement: CEBPE is on the minus strand). VCF-style: chr14-23117816-A-C. GRCh37 (hg19) VCF-style: chr14-23587025-A-C.
Other names: short protein forms L173V.
Identifiers: ClinVar variation 2167531 (VCV002167531.4), dbSNP rs766005459, ClinGen allele CA7111165.

ClinVar aggregate classification (germline): Uncertain significance. Review status: criteria provided, multiple submitters, no conflicts (2 of 4 stars). 2 submissions from 2 submitters: Uncertain significance (2). Last evaluated 2025-01-06.

Conditions:
Inborn genetic diseases. Identifiers: MedGen C0950123, MeSH D030342.
Specific granule deficiency. Identifiers: Orphanet 169142, MedGen C0398593, MONDO:0009506.

Allele frequency attached by ClinVar (database versions not stated): gnomAD 0.00001; TOPMed 0.00002; gnomAD exomes 0.00003; ExAC 0.00005.
gnomAD v4.1: 20 of 1,601,072 alleles (0.0012%); highest among the groups gnomAD compares: Admixed American, 0.033%; no homozygotes.

Submissions (2):

Labcorp Genetics (formerly Invitae), Labcorp
Classification: Uncertain significance for Specific granule deficiency. Last evaluated: 2025-01-06. Review status: criteria provided, single submitter. Criteria: Invitae Variant Classification Sherloc (09022015). Collection method: clinical testing. Allele origin: germline.
Comment: This sequence change replaces leucine, which is neutral and non-polar, with valine, which is neutral and non-polar, at codon 173 of the CEBPE protein (p.Leu173Val). This variant is present in population databases (rs766005459, gnomAD 0.05%). This variant has not been reported in the literature in individuals affected with CEBPE-related conditions. ClinVar contains an entry for this variant (Variation ID: 2167531). An algorithm developed to predict the effect of missense changes on protein structure and function outputs the following: PolyPhen-2: "Benign". The valine amino acid residue is found in multiple mammalian species, which suggests that this missense change does not adversely affect protein function. In summary, the available evidence is currently insufficient to determine the role of this variant in disease. Therefore, it has been classified as a Variant of Uncertain Significance.

Ambry Genetics
Classification: Uncertain significance for Inborn genetic diseases. Last evaluated: 2024-11-13. Review status: criteria provided, single submitter. Criteria: Ambry Variant Classification Scheme 2023. Collection method: clinical testing. Allele origin: germline.